The following is an entry in ClinVar:

NM_000095.3(COMP):c.1552G>C (p.Asp518His)

Gene: COMP (cartilage oligomeric matrix protein; minus strand). Cytogenetic location: 19p13.11.
Variant type: single nucleotide variant.
Coding change: c.1552G>C on transcript NM_000095.3 (MANE Select); coding-DNA position 1552, G replaced by C.
Protein change: p.Asp518His; replaces aspartic acid 518 with histidine.
Molecular consequence: missense variant.
Genome position (GRCh38, 1-based): chr19:18,785,789, C>G on the plus strand (G>C on the coding strand, the complement: COMP is on the minus strand). VCF-style: chr19-18785789-C-G. GRCh37 (hg19) VCF-style: chr19-18896599-C-G.
Other names: short protein forms D518H.
Identifiers: ClinVar variation 803547 (VCV000803547.4), dbSNP rs1359984033, ClinGen allele CA404883300.

ClinVar aggregate classification (germline): Pathogenic/Likely pathogenic. Review status: criteria provided, multiple submitters, no conflicts (2 of 4 stars). 3 submissions from 3 submitters: Pathogenic (2); Likely pathogenic (1). Last evaluated 2025-07-21.

Conditions:
COMP-related disorder. Also called: COMP-related disorders; COMP-related condition.
Pseudoachondroplastic spondyloepiphyseal dysplasia syndrome (PSACH). Also called: PSEUDOACHONDROPLASTIC DYSPLASIA; Pseudoachondroplasia; COMP-Related Pseudoachondroplasia. Identifiers: Orphanet 750, MedGen C0410538, MONDO:0008322, OMIM 177170.

Submissions (3):

3billion
Classification: Pathogenic for COMP-related disorder. Last evaluated: 2025-07-21. Review status: criteria provided, single submitter. Criteria: ACMG Guidelines, 2015. Collection method: clinical testing. Allele origin: germline. Affected: yes.
Comment: The variant is not observed in the gnomAD v4.1.0 dataset. Predicted Consequence/Location: The variant is located in a mutational hot spot and/or well-established functional domain in which established pathogenic variants have been reported. Missense variant. Missense changes are a common disease-causing mechanism. In silico tool predictions suggest damaging effect of the variant on gene or gene product [REVEL: 0.98 (>=0.6, sensitivity 0.68 and specificity 0.92); 3Cnet: 0.99 (> 0.75, sensitivity 0.96 and precision 0.92)]. The same nucleotide change resulting in the same amino acid change has been previously reported as pathogenic/likely pathogenic with strong evidence (ClinVar ID: VCV000803547 /PMID: 10405447). Different missense changes at the same codon (p.Asp518Asn, p.Asp518Gly, p.Asp518Tyr, p.Asp518Val) have been reported as pathogenic/likely pathogenic with strong evidence (ClinVar ID: VCV001360065, VCV002138261 /PMID: 15756302, 23506586, 37842142, 9921895). Therefore, this variant is classified as Pathogenic according to the recommendation of ACMG/AMP guideline.

Labcorp Genetics (formerly Invitae), Labcorp
Classification: Likely pathogenic. Last evaluated: 2024-11-11. Review status: criteria provided, single submitter. Criteria: Invitae Variant Classification Sherloc (09022015). Collection method: clinical testing. Allele origin: germline.
Comment: This sequence change replaces aspartic acid, which is acidic and polar, with histidine, which is basic and polar, at codon 518 of the COMP protein (p.Asp518His). This variant is not present in population databases (gnomAD no frequency). This missense change has been observed in individuals with clinical features of pseudoachondroplasia (PMID: 10405447; internal data). ClinVar contains an entry for this variant (Variation ID: 803547). Invitae Evidence Modeling of protein sequence and biophysical properties (such as structural, functional, and spatial information, amino acid conservation, physicochemical variation, residue mobility, and thermodynamic stability) indicates that this missense variant is expected to disrupt COMP protein function with a positive predictive value of 80%. This variant disrupts the p.Asp518 amino acid residue in COMP. Other variant(s) that disrupt this residue have been determined to be pathogenic (PMID: 9880218, 9921895, 34709441; internal data). This suggests that this residue is clinically significant, and that variants that disrupt this residue are likely to be disease-causing. In summary, the currently available evidence indicates that the variant is pathogenic, but additional data are needed to prove that conclusively. Therefore, this variant has been classified as Likely Pathogenic.

Mendelics
Classification: Pathogenic for Pseudoachondroplastic spondyloepiphyseal dysplasia syndrome. Last evaluated: 2019-05-28. Review status: criteria provided, single submitter. Criteria: Mendelics Assertion Criteria 2017. Collection method: clinical testing. Allele origin: unknown.

Literature cited by the submitters: PubMed 10405447 (cited by 3billion and Labcorp Genetics (formerly Invitae), Labcorp); PubMed 15756302 (cited by 3billion); PubMed 9880218 (cited by Labcorp Genetics (formerly Invitae), Labcorp); PubMed 9921895 (cited by Labcorp Genetics (formerly Invitae), Labcorp); PubMed 34709441 (cited by Labcorp Genetics (formerly Invitae), Labcorp).